The following is an entry in ClinVar:

NM_004380.3(CREBBP):c.1751dup (p.Ser584_Ser585insTer)

Gene: CREBBP (CREB binding lysine acetyltransferase; minus strand). Cytogenetic location: 16p13.3.
Variant type: Duplication.
Coding change: c.1751dup on transcript NM_004380.3 (MANE Select); coding-DNA position 1751, one base duplicated (C; older notation c.1751dupC).
Protein change: p.Ser584_Ser585insTer.
Molecular consequence: frameshift variant.
Genome position (GRCh38, 1-based): chr16:3,780,804, G duplicated on the plus strand (C on the coding strand, the reverse complement: CREBBP is on the minus strand). VCF-style (leftmost placement, unchanged base first): chr16-3780803-A-AG. GRCh37 (hg19) VCF-style: chr16-3830804-A-AG.
Other names: c.1637dup, p.Ser546_Ser547insTer (NM_001079846.1).
Identifiers: ClinVar variation 4083511 (VCV004083511.1).

ClinVar aggregate classification (germline): Pathogenic (1 of 4 stars; one submission).

Conditions:
Rubinstein-Taybi syndrome due to CREBBP mutations (RSTS1). Also called: CREBBP-Related Rubinstein-Taybi Syndrome; RUBINSTEIN-TAYBI SYNDROME 1, INCOMPLETE; BROAD THUMBS AND GREAT TOES, CHARACTERISTIC FACIES, AND IMPAIRED INTELLECTUAL DEVELOPMENT; Rubinstein-Taybi syndrome 1; BROAD THUMB-HALLUX SYNDROME; RUBINSTEIN SYNDROME. Identifiers: Orphanet 353277, Orphanet 783, MedGen C4551859, MONDO:0008393, OMIM 180849.

Submission:

Molecular Genetics Laboratory, Motol Hospital
Classification: Pathogenic for Rubinstein-Taybi syndrome due to CREBBP mutations. Last evaluated: 2025-08-14. Review status: criteria provided, single submitter. Criteria: ACMG Guidelines, 2015. Collection method: clinical testing. Allele origin: de novo. Affected: yes. Observed: 1 variant allele.
Comment: Not present in gnomAD (v4.1.0), dbSNP or ClinVar (PM2). Rare truncating variants affecting the CREBBP gene are aasociated with "Rubinstein-Taybi syndrome 1" (RSTS1, MIM:180849; PMID:18792986;PMID:17473832;PMID:15706485;PMID:7630403).To conclude, the variant is classified as pathogenic (ACMG PM2, PS2, PVS1).

Literature cited by the submitters: PubMed 18792986; PubMed 17473832; PubMed 15706485; PubMed 7630403.